The following is an entry in ClinVar:

ClinVar aggregate classification (germline): Conflicting classifications of pathogenicity. Review status: criteria provided, conflicting classifications (1 of 4 stars). 4 submissions from 4 submitters: Pathogenic (1); Likely pathogenic (1); Uncertain significance (1). 1 of the submissions does not count toward it. Last evaluated 2026-04-09.

Conditions:
Joubert syndrome 38. Identifiers: MedGen C5561958, MONDO:0030353, OMIM 619476.
Orofaciodigital syndrome XV (OFD15). Also called: OFDS XV; ORAL-FACIAL-DIGITAL SYNDROME, TYPE XV. Identifiers: MedGen C4310701, MONDO:0014932, OMIM 617127.

Allele frequency attached by ClinVar (database versions not stated): TOPMed 0.00002; gnomAD exomes 0.00001; gnomAD 0.00001.
gnomAD v4.1: 39 of 1,613,824 alleles (0.0024%); highest among the groups gnomAD compares: Non-Finnish European, 0.0028%; no homozygotes.

Submissions (4):

GeneDx
Classification: Likely pathogenic. Last evaluated: 2026-04-09. Review status: criteria provided, single submitter. Criteria: GeneDx Variant Classification Process June 2021. Collection method: clinical testing. Allele origin: germline.
Comment: Observed with a nonsense variant (p.(K631*)) in a newborn in published literature with oral-facial-digital syndrome, but it is not known whether the variants occurred on the same (in cis) or on different (in trans) chromosomes as the c.1546-3 C>A variant occurred apparently de novo (PMID: 26643951); Non-canonical splice site variant demonstrated to result in a null allele in a gene for which loss of function is a known mechanism of disease (PMID: 26643951); Observed with p.(K631*) and a third sequencing variant in KIAA0753 in a patient with KIAA0753-related ciliopathy, the phase of these variants was not reported (PMID: 37291213); Not observed at significant frequency in large population cohorts (gnomAD); In silico analysis suggests that this variant does not alter splicing; This variant is associated with the following publications: (PMID: 28289185, 26643951, 37291213)

Labcorp Genetics (formerly Invitae), Labcorp
Classification: Uncertain significance. Last evaluated: 2023-08-10. Review status: criteria provided, single submitter. Criteria: Invitae Variant Classification Sherloc (09022015). Collection method: clinical testing. Allele origin: germline.
Comment: In summary, the available evidence is currently insufficient to determine the role of this variant in disease. Therefore, it has been classified as a Variant of Uncertain Significance. Variants that disrupt the consensus splice site are a relatively common cause of aberrant splicing (PMID: 17576681, 9536098). Algorithms developed to predict the effect of sequence changes on RNA splicing suggest that this variant is not likely to affect RNA splicing. Studies have shown that this variant alters KIAA0753 gene expression (PMID: 26643951). ClinVar contains an entry for this variant (Variation ID: 254662). This variant has been observed in individual(s) with orofaciodigital syndrome (PMID: 26643951). This variant is present in population databases (no rsID available, gnomAD 0.002%). This sequence change falls in intron 8 of the KIAA0753 gene. It does not directly change the encoded amino acid sequence of the KIAA0753 protein. It affects a nucleotide within the consensus splice site.

Victorian Clinical Genetics Services, Murdoch Childrens Research Institute
Classification: Pathogenic for Joubert syndrome 38. Last evaluated: 2022-03-31. Review status: criteria provided, single submitter. Criteria: ACMG Guidelines, 2015. Collection method: clinical testing. Allele origin: germline. Inheritance: Autosomal recessive inheritance. Affected: yes.
Comment: Based on the classification scheme VCGS_Germline_v1.3.4, this variant is classified as Pathogenic. Following criteria are met: 0102 - Loss of function is a known mechanism of disease in this gene and is associated with Joubert syndrome 38 (MIM#619476). (I) 0106 - This gene is associated with autosomal recessive disease. (I) 0210 - Splice site variant proven to affect splicing of the transcript with a known effect on protein sequence. Sanger sequencing of cDNA obtained from an individual with orofaciodigital syndrome demonstrated exon 8 skipping. This results in a premature termination codon (p.(Asp439Glyfs*6), also annotated as p.(Asp439Glyfs*5) in the literature) which is predicted to undergo nonsense-mediated decay (NMD, PMID: 26643951). (SP) 0251 - This variant is heterozygous. (I) 0304 - Variant is present in gnomAD <0.01 for a recessive condition (v2: 2 heterozygotes, 0 homozygotes). (SP) 0702 - Other premature termination variants comparable to the one identified in this case have strong previous evidence for pathogenicity. Multiple NMD-predicted variants have been reported in affected individuals and as likely pathogenic/pathogenic (PMID: 34523780, ClinVar). (SP) 0803 - This variant has limited previous evidence of pathogenicity in an unrelated individual. It has been reported de novo in an individual with orofaciodigital syndrome who is compound heterozygous with another nonsense variant, NM_014804.2:c.1891A>T; p.(Lys631*) (PMID: 26643951). (SP) 1002 - This variant has moderate functional evidence supporting abnormal protein function. The KIAA0753 protein was hardly detectable in the immortalised cells of an individual who also has a nonsense variant. The recruitment of its partner proteins onto the centrosomes was also reduced (PMID: 26643951). (SP) 1102 - Strong phenotype match for this individual. (I) Legend: (SP) - Supporting pathogenic, (I) - Information, (SB) - Supporting benign

OMIM
Classification: Pathogenic for OROFACIODIGITAL SYNDROME XV (1 patient). Last evaluated: 2016-09-22. Review status: no assertion criteria provided. Collection method: literature only. Allele origin: germline. Not counted in ClinVar's aggregate classification.

Literature cited by the submitters: PubMed 17576681 (cited by Labcorp Genetics (formerly Invitae), Labcorp); PubMed 9536098 (cited by Labcorp Genetics (formerly Invitae), Labcorp); PubMed 26643951 (cited by 3 submitters); PubMed 34523780 (cited by Victorian Clinical Genetics Services, Murdoch Childrens Research Institute).

NM_014804.3(KIAA0753):c.1546-3C>A

Gene: KIAA0753 (KIAA0753; minus strand). Cytogenetic location: 17p13.1.
Variant type: single nucleotide variant.
Coding change: c.1546-3C>A on transcript NM_014804.3 (MANE Select); 3 bases into the intron before coding-DNA position 1546, C replaced by A.
Molecular consequence: intron variant.
Genome position (GRCh38, 1-based): chr17:6,610,163, G>T on the plus strand (C>A on the coding strand, the complement: KIAA0753 is on the minus strand). VCF-style: chr17-6610163-G-T. GRCh37 (hg19) VCF-style: chr17-6513483-G-T.
Other names: IVS8AS, C-A, -3; c.649-3C>A (NM_001351225.2).
Identifiers: ClinVar variation 254662 (VCV000254662.11), dbSNP rs886038201, ClinGen allele CA10586690.
Genomic context (GRCh38, chr17:6,610,163, plus strand): 5'-GCACTCTGCTTTTACTGTGAGGTTGGCTTTGTCTACCTCTTTCAGCTTTGCGGAGTCCCT[G>T]TGAGAGATAAGTAAGAATTATAAGGCCACACAAATACCAAAGAAACTATGGTTTAACCTC-3'